The following is an entry in ClinVar:

NM_001322934.2(NFKB2):c.1010G>A (p.Arg337Gln)

Gene: NFKB2 (nuclear factor kappa B subunit 2; plus strand). Cytogenetic location: 10q24.32.
Variant type: single nucleotide variant.
Coding change: c.1010G>A on transcript NM_001322934.2 (MANE Select); coding-DNA position 1010, G replaced by A.
Protein change: p.Arg337Gln; replaces arginine 337 with glutamine.
Molecular consequence: missense variant. On other transcripts: intron variant (1).
Genome position (GRCh38, 1-based): chr10:102,398,757, G>A. VCF-style: chr10-102398757-G-A. GRCh37 (hg19) VCF-style: chr10-104158514-G-A.
Other names: c.1010G>A, p.Arg337Gln (NM_001077494.3, NM_001261403.3, NM_001288724.1 and 1 more transcripts); c.991+234G>A (NM_001322935.1); short protein forms R337Q.
Identifiers: ClinVar variation 4806068 (VCV004806068.1).

ClinVar aggregate classification (germline): Uncertain significance (1 of 4 stars; one submission).

Conditions:
Immunodeficiency, common variable, 10. Also called: DEFICIT IN ANTERIOR PITUITARY FUNCTION AND VARIABLE IMMUNODEFICIENCY; IMMUNODEFICIENCY, COMMON VARIABLE, WITH CENTRAL ADRENAL INSUFFICIENCY. Identifiers: MedGen C3809991, MONDO:0014260, OMIM 615577.

gnomAD v4.1: 4 of 1,612,370 alleles (0.00025%); highest among the groups gnomAD compares: African/African-American, 0.0013%; no homozygotes.

Submission:

Labcorp Genetics (formerly Invitae), Labcorp
Classification: Uncertain significance for Immunodeficiency, common variable, 10. Last evaluated: 2025-06-24. Review status: criteria provided, single submitter. Criteria: Invitae Variant Classification Sherloc (09022015). Collection method: clinical testing. Allele origin: germline.
Comment: This sequence change replaces arginine, which is basic and polar, with glutamine, which is neutral and polar, at codon 337 of the NFKB2 protein (p.Arg337Gln). This variant is present in population databases (rs767297897, gnomAD 0.007%). This variant has not been reported in the literature in individuals affected with NFKB2-related conditions. An algorithm developed to predict the effect of missense changes on protein structure and function (PolyPhen-2) suggests that this variant is likely to be tolerated. In summary, the available evidence is currently insufficient to determine the role of this variant in disease. Therefore, it has been classified as a Variant of Uncertain Significance.